The following is an entry in ClinVar:

ClinVar aggregate classification (germline): Uncertain significance (1 of 4 stars; one submission).

Conditions:
Autosomal recessive limb-girdle muscular dystrophy type 2W (MDRCMTT). Also called: Muscular dystrophy, autosomal recessive, with cardiomyopathy and triangular tongue; Muscular dystrophy, limb-girdle, type 2W. Identifiers: MedGen C4225192, MONDO:0014788, OMIM 616827.

gnomAD v4.1: 2 of 1,614,150 alleles (0.00012%); highest among the groups gnomAD compares: Non-Finnish European, 0.00017%; no homozygotes.

Submission:

Labcorp Genetics (formerly Invitae), Labcorp
Classification: Uncertain significance for Autosomal recessive limb-girdle muscular dystrophy type 2W. Last evaluated: 2022-08-23. Review status: criteria provided, single submitter. Criteria: Invitae Variant Classification Sherloc (09022015). Collection method: clinical testing. Allele origin: germline.
Comment: In summary, the available evidence is currently insufficient to determine the role of this variant in disease. Therefore, it has been classified as a Variant of Uncertain Significance. Algorithms developed to predict the effect of sequence changes on RNA splicing suggest that this variant may create or strengthen a splice site. Algorithms developed to predict the effect of missense changes on protein structure and function (SIFT, PolyPhen-2, Align-GVGD) all suggest that this variant is likely to be tolerated. ClinVar contains an entry for this variant (Variation ID: 1361142). This variant has not been reported in the literature in individuals affected with LIMS2-related conditions. This variant is not present in population databases (gnomAD no frequency). This sequence change replaces leucine, which is neutral and non-polar, with valine, which is neutral and non-polar, at codon 134 of the LIMS2 protein (p.Leu134Val).

NM_001161403.3(LIMS2):c.334C>G (p.Leu112Val)

Gene: LIMS2 (LIM zinc finger domain containing 2; minus strand). Cytogenetic location: 2q14.3.
Variant type: single nucleotide variant.
Coding change: c.334C>G on transcript NM_001161403.3 (MANE Select); coding-DNA position 334, C replaced by G.
Protein change: p.Leu112Val; replaces leucine 112 with valine.
Molecular consequence: missense variant.
Genome position (GRCh38, 1-based): chr2:127,654,449, G>C on the plus strand (C>G on the coding strand, the complement: LIMS2 is on the minus strand). VCF-style: chr2-127654449-G-C. GRCh37 (hg19) VCF-style: chr2-128412023-G-C.
Other names: c.400C>G, p.Leu134Val (NM_001136037.4); c.319C>G, p.Leu107Val (NM_001161404.2); c.406C>G, p.Leu136Val (NM_017980.5); short protein forms L112V, L134V, L136V, L107V.
Identifiers: ClinVar variation 1361142 (VCV001361142.8), dbSNP rs1684103396, ClinGen allele CA348431338.